The following is an entry in ClinVar:

ClinVar aggregate classification (germline): Uncertain significance. Review status: criteria provided, multiple submitters, no conflicts (2 of 4 stars). 2 submissions from 2 submitters: Uncertain significance (2). Last evaluated 2025-04-01.

Allele frequency attached by ClinVar (database versions not stated): gnomAD exomes 0.00001 and 0.00002; TOPMed 0.00004; gnomAD 0.00009; ExAC 0.00002; ESP Exome Variant Server 0.00008.
gnomAD v4.1: 23 of 1,613,780 alleles (0.0014%); highest among the groups gnomAD compares: African/African-American, 0.025%; no homozygotes.

Submissions (2):

Ambry Genetics
Classification: Uncertain significance. Last evaluated: 2025-04-01. Review status: criteria provided, single submitter. Criteria: Ambry Variant Classification Scheme 2023. Collection method: clinical testing. Allele origin: germline.

Labcorp Genetics (formerly Invitae), Labcorp
Classification: Uncertain significance. Last evaluated: 2022-10-25. Review status: criteria provided, single submitter. Criteria: Invitae Variant Classification Sherloc (09022015). Collection method: clinical testing. Allele origin: germline.
Comment: This sequence change replaces isoleucine, which is neutral and non-polar, with threonine, which is neutral and polar, at codon 113 of the TMEM126A protein (p.Ile113Thr). This variant is present in population databases (rs112759646, gnomAD 0.02%). This variant has not been reported in the literature in individuals affected with TMEM126A-related conditions. ClinVar contains an entry for this variant (Variation ID: 834149). Algorithms developed to predict the effect of missense changes on protein structure and function (SIFT, PolyPhen-2, Align-GVGD) all suggest that this variant is likely to be tolerated. In summary, the available evidence is currently insufficient to determine the role of this variant in disease. Therefore, it has been classified as a Variant of Uncertain Significance.

NM_032273.4(TMEM126A):c.338T>C (p.Ile113Thr)

Gene: TMEM126A (transmembrane protein 126A; plus strand). Cytogenetic location: 11q14.1.
Variant type: single nucleotide variant.
Coding change: c.338T>C on transcript NM_032273.4 (MANE Select); coding-DNA position 338, T replaced by C.
Protein change: p.Ile113Thr; replaces isoleucine 113 with threonine.
Molecular consequence: missense variant.
Genome position (GRCh38, 1-based): chr11:85,655,651, T>C. VCF-style: chr11-85655651-T-C. GRCh37 (hg19) VCF-style: chr11-85366695-T-C.
Other names: c.128T>C, p.Ile43Thr (NM_001244735.2); short protein forms I113T, I43T.
Identifiers: ClinVar variation 834149 (VCV000834149.6), dbSNP rs112759646, ClinGen allele CA6212763.